The following is an entry in ClinVar:

ClinVar aggregate classification (germline): Benign/Likely benign. Review status: criteria provided, multiple submitters, no conflicts (2 of 4 stars). 3 submissions from 3 submitters: Benign (1); Likely benign (2). Last evaluated 2025-04-10.

Conditions:
Tuberous sclerosis 1 (TSC1). Identifiers: Orphanet 805, MedGen C1854465, MONDO:0008612, OMIM 191100.
Hereditary cancer-predisposing syndrome. Also called: Neoplastic Syndromes, Hereditary; Hereditary Cancer Syndrome; Hereditary neoplastic syndrome; Tumor predisposition. Identifiers: Orphanet 140162, MedGen C0027672, MeSH D009386, MONDO:0015356.

gnomAD v4.1: 1 of 1,614,214 alleles (0.000062%); highest among the groups gnomAD compares: Non-Finnish European, 0.000085%; no homozygotes.

Submissions (3):

Myriad Genetics, Inc.
Classification: Benign for Tuberous sclerosis 1. Last evaluated: 2025-04-10. Review status: criteria provided, single submitter. Criteria: Myriad Autosomal Dominant, Autosomal Recessive and X-Linked Classification Criteria (2023). Collection method: clinical testing. Allele origin: unknown.
Comment: This variant is considered benign. This variant is a silent/synonymous amino acid change and it is not expected to impact splicing.

Ambry Genetics
Classification: Likely benign for Hereditary cancer-predisposing syndrome. Last evaluated: 2024-01-12. Review status: criteria provided, single submitter. Criteria: Ambry Variant Classification Scheme 2023. Collection method: clinical testing. Allele origin: germline.

Labcorp Genetics (formerly Invitae), Labcorp
Classification: Likely benign for Tuberous sclerosis 1. Last evaluated: 2020-08-26. Review status: criteria provided, single submitter. Criteria: Invitae Variant Classification Sherloc (09022015). Collection method: clinical testing. Allele origin: germline.

NM_000368.5(TSC1):c.1773G>T (p.Pro591=)

Gene: TSC1 (TSC complex subunit 1; minus strand). Cytogenetic location: 9q34.13.
Variant type: single nucleotide variant.
Coding change: c.1773G>T on transcript NM_000368.5 (MANE Select); coding-DNA position 1773, G replaced by T.
Protein change: p.Pro591=; no amino-acid change (proline 591 retained).
Molecular consequence: synonymous variant.
Genome position (GRCh38, 1-based): chr9:132,905,805, C>A on the plus strand (G>T on the coding strand, the complement: TSC1 is on the minus strand). VCF-style: chr9-132905805-C-A. GRCh37 (hg19) VCF-style: chr9-135781192-C-A.
Other names: c.1773G>T (NM_000368.4); c.1770G>T, p.Pro590= (NM_001162426.2); c.1620G>T, p.Pro540= (NM_001162427.2); c.1410G>T, p.Pro470= (NM_001362177.2).
Identifiers: ClinVar variation 1118622 (VCV001118622.11), dbSNP rs146578402, ClinGen allele CA467813261.